The following is an entry in ClinVar:

ClinVar aggregate classification (germline): Uncertain significance. Review status: criteria provided, multiple submitters, no conflicts (2 of 4 stars). 2 submissions from 2 submitters: Uncertain significance (2). Last evaluated 2025-06-17.

Conditions:
Silver-Russell syndrome 3 (SRS3). Also called: Growth restriction, severe, with distinctive facies. Identifiers: MedGen C4225307, MONDO:0014663, OMIM 616489.
Inborn genetic diseases. Identifiers: MedGen C0950123, MeSH D030342.

Allele frequency attached by ClinVar (database versions not stated): ExAC 0.00001; TOPMed 0.00002; gnomAD 0.00001; ESP Exome Variant Server 0.00008.
gnomAD v4.1: 14 of 1,606,930 alleles (0.00087%); highest among the groups gnomAD compares: Middle Eastern, 0.05%; no homozygotes.

Submissions (2):

Clinical Genomics Laboratory, Washington University in St. Louis
Classification: Uncertain significance for Silver-Russell syndrome 3. Last evaluated: 2025-06-17. Review status: criteria provided, single submitter. Criteria: ACMG Guidelines, 2015. Collection method: clinical testing. Allele origin: germline.
Comment: The IGF2 c.412C>T (p.Arg138Trp) variant, to our knowledge, has not been reported in the medical literature. This variant has been reported in the ClinVar database as a germline variant of uncertain significance by one submitter. This variant is only observed on 4/242,484 alleles in the general population (gnomAD v.2.1.1), indicating it is not a common variant. Computational predictors are uncertain as to the impact of this variant on IGF2 function. Due to limited information, and based on ACMG/AMP guidelines for variant interpretation (Richards S et al., PMID: 25741868), the clinical significance of this variant is uncertain at this time.

Ambry Genetics
Classification: Uncertain significance for Inborn genetic diseases. Last evaluated: 2023-08-08. Review status: criteria provided, single submitter. Criteria: Ambry Variant Classification Scheme 2023. Collection method: clinical testing. Allele origin: germline.

NM_000612.6(IGF2):c.412C>T (p.Arg138Trp)

Genes: IGF2 (insulin like growth factor 2; minus strand), INS-IGF2 (INS-IGF2 readthrough; minus strand). Cytogenetic location: 11p15.5.
Variant type: single nucleotide variant.
Coding change: c.412C>T on transcript NM_000612.6 (MANE Select); coding-DNA position 412, C replaced by T.
Protein change: p.Arg138Trp; replaces arginine 138 with tryptophan.
Molecular consequence: missense variant. On other transcripts: non-coding transcript variant (1).
Genome position (GRCh38, 1-based): chr11:2,133,118, G>A on the plus strand (C>T on the coding strand, the complement: IGF2 is on the minus strand). VCF-style: chr11-2133118-G-A. GRCh37 (hg19) VCF-style: chr11-2154348-G-A.
Other names: c.412C>T, p.Arg138Trp (NM_001007139.6, NM_001291861.3, NM_001291862.3); c.580C>T, p.Arg194Trp (NM_001127598.3); short protein forms R138W, R194W.
Identifiers: ClinVar variation 2617071 (VCV002617071.3), dbSNP rs371682005, ClinGen allele CA5817621.